The following is an entry in ClinVar:

NM_014975.3(MAST1):c.4307T>C (p.Ile1436Thr)

Gene: MAST1 (microtubule associated serine/threonine kinase 1; plus strand). Cytogenetic location: 19p13.13.
Variant type: single nucleotide variant.
Coding change: c.4307T>C on transcript NM_014975.3 (MANE Select); coding-DNA position 4307, T replaced by C.
Protein change: p.Ile1436Thr; replaces isoleucine 1436 with threonine.
Molecular consequence: missense variant.
Genome position (GRCh38, 1-based): chr19:12,874,464, T>C. VCF-style: chr19-12874464-T-C. GRCh37 (hg19) VCF-style: chr19-12985278-T-C.
Other names: c.4307T>C (NM_014975.2); short protein forms I1436T.
Identifiers: ClinVar variation 2170532 (VCV002170532.5), dbSNP rs771297339, ClinGen allele CA9233546.

ClinVar aggregate classification (germline): Uncertain significance. Review status: criteria provided, multiple submitters, no conflicts (2 of 4 stars). 2 submissions from 2 submitters: Uncertain significance (2). Last evaluated 2025-08-31.

Conditions:
Inborn genetic diseases. Identifiers: MedGen C0950123, MeSH D030342.

Allele frequency attached by ClinVar (database versions not stated): gnomAD exomes below 0.00001; ExAC 0.00002; TOPMed 0.00002.
gnomAD v4.1: 7 of 1,592,352 alleles (0.00044%); highest among the groups gnomAD compares: East Asian, 0.0022%; no homozygotes.

Submissions (2):

Ambry Genetics
Classification: Uncertain significance for Inborn genetic diseases. Last evaluated: 2025-08-31. Review status: criteria provided, single submitter. Criteria: Ambry Variant Classification Scheme 2023. Collection method: clinical testing. Allele origin: germline.

Labcorp Genetics (formerly Invitae), Labcorp
Classification: Uncertain significance. Last evaluated: 2023-03-19. Review status: criteria provided, single submitter. Criteria: Invitae Variant Classification Sherloc (09022015). Collection method: clinical testing. Allele origin: germline.
Comment: ClinVar contains an entry for this variant (Variation ID: 2170532). This variant has not been reported in the literature in individuals affected with MAST1-related conditions. This variant is present in population databases (rs771297339, gnomAD no frequency). This sequence change replaces isoleucine, which is neutral and non-polar, with threonine, which is neutral and polar, at codon 1436 of the MAST1 protein (p.Ile1436Thr). An algorithm developed to predict the effect of missense changes on protein structure and function (PolyPhen-2) suggests that this variant is likely to be disruptive. In summary, the available evidence is currently insufficient to determine the role of this variant in disease. Therefore, it has been classified as a Variant of Uncertain Significance.